The following is an entry in ClinVar:

ClinVar aggregate classification (germline): Uncertain significance (1 of 4 stars; one submission).

Conditions:
Hereditary cancer-predisposing syndrome. Also called: Tumor predisposition; Neoplastic Syndromes, Hereditary; Hereditary Cancer Syndrome; Hereditary neoplastic syndrome. Identifiers: Orphanet 140162, MedGen C0027672, MeSH D009386, MONDO:0015356.

Submission:

Ambry Genetics
Classification: Uncertain significance for Hereditary cancer-predisposing syndrome. Last evaluated: 2021-12-18. Review status: criteria provided, single submitter. Criteria: Ambry Variant Classification Scheme 2023. Collection method: clinical testing. Allele origin: germline.
Comment: The p.M1068L variant (also known as c.3202A>T), located in coding exon 26 of the POLE gene, results from an A to T substitution at nucleotide position 3202. The methionine at codon 1068 is replaced by leucine, an amino acid with highly similar properties. This amino acid position is conserved. In addition, the in silico prediction for this alteration is inconclusive. Since supporting evidence is limited at this time, the clinical significance of this alteration remains unclear.

NM_006231.4(POLE):c.3202A>T (p.Met1068Leu)

Gene: POLE (DNA polymerase epsilon, catalytic subunit; minus strand). Cytogenetic location: 12q24.33.
Variant type: single nucleotide variant.
Coding change: c.3202A>T on transcript NM_006231.4 (MANE Select); coding-DNA position 3202, A replaced by T.
Protein change: p.Met1068Leu; replaces methionine 1068 with leucine.
Molecular consequence: missense variant.
Genome position (GRCh38, 1-based): chr12:132,659,368, T>A on the plus strand (A>T on the coding strand, the complement: POLE is on the minus strand). VCF-style: chr12-132659368-T-A. GRCh37 (hg19) VCF-style: chr12-133235954-T-A.
Other names: short protein forms M1068L.
Identifiers: ClinVar variation 1728835 (VCV001728835.2), dbSNP rs2138675792, ClinGen allele CA387390555.